The following is an entry in ClinVar:

NM_016604.4(KDM3B):c.4805G>A (p.Arg1602Lys)

Gene: KDM3B (lysine demethylase 3B; plus strand). Cytogenetic location: 5q31.2.
Variant type: single nucleotide variant.
Coding change: c.4805G>A on transcript NM_016604.4 (MANE Select); coding-DNA position 4805, G replaced by A.
Protein change: p.Arg1602Lys; replaces arginine 1602 with lysine.
Molecular consequence: missense variant.
Genome position (GRCh38, 1-based): chr5:138,429,877, G>A. VCF-style: chr5-138429877-G-A. GRCh37 (hg19) VCF-style: chr5-137765566-G-A.
Other names: short protein forms R1602K.
Identifiers: ClinVar variation 2502360 (VCV002502360.1), dbSNP rs2480332178, ClinGen allele CA361095579.

ClinVar aggregate classification (germline): Uncertain significance (1 of 4 stars; one submission).

Conditions:
Diets-Jongmans syndrome. Also called: INTELLECTUAL DEVELOPMENTAL DISORDER WITH DISTINCTIVE FACIAL DYSMORPHISM. Identifiers: MedGen C5394263, MONDO:0030012, OMIM 618846.

Submission:

Institute of Human Genetics, University of Leipzig Medical Center
Classification: Uncertain significance for Diets-Jongmans syndrome. Last evaluated: 2023-04-06. Review status: criteria provided, single submitter. Criteria: ACMG Guidelines, 2015. Collection method: clinical testing. Allele origin: unknown. Affected: yes.
Comment: _x000D_ Criteria applied: PM2_SUP, PP2